The following is an entry in ClinVar:

ClinVar aggregate classification (germline): Pathogenic. Review status: criteria provided, multiple submitters, no conflicts (2 of 4 stars). 3 submissions from 3 submitters: Pathogenic (3). Last evaluated 2023-11-27.

Conditions:
Spastic paraplegia. Identifiers: MedGen C0037772, HP:0001258.
Allan-Herndon-Dudley syndrome (AHDS). Also called: Passos-Bueno syndrome; T3 RESISTANCE; TRIIODOTHYRONINE RESISTANCE; ALLAN-HERNDON SYNDROME; MENTAL RETARDATION AND MUSCULAR ATROPHY. Identifiers: Orphanet 59, MedGen C0795889, MONDO:0010354, OMIM 300523.

Submissions (3):

Labcorp Genetics (formerly Invitae), Labcorp
Classification: Pathogenic for Spastic paraplegia. Last evaluated: 2023-11-27. Review status: criteria provided, single submitter. Criteria: Invitae Variant Classification Sherloc (09022015). Collection method: clinical testing. Allele origin: germline.
Comment: This sequence change creates a premature translational stop signal (p.Arg171*) in the SLC16A2 gene. It is expected to result in an absent or disrupted protein product. Loss-of-function variants in SLC16A2 are known to be pathogenic (PMID: 20083155, 25527620). This variant is not present in population databases (gnomAD no frequency). This premature translational stop signal has been observed in individuals with SLC16A2-related disease (PMID: 15488219; Invitae). ClinVar contains an entry for this variant (Variation ID: 958855). For these reasons, this variant has been classified as Pathogenic.

MGZ Medical Genetics Center
Classification: Pathogenic for Allan-Herndon-Dudley syndrome. Last evaluated: 2022-03-04. Review status: criteria provided, single submitter. Criteria: ACMG Guidelines, 2015. Collection method: clinical testing. Allele origin: germline. Affected: yes. Observed: 1 variant allele.
Comment: ACMG criteria applied: PVS1, PS4_SUP, PM2_SUP

Baylor Genetics
Classification: Pathogenic for Allan-Herndon-Dudley syndrome. Last evaluated: 2022-02-22. Review status: criteria provided, single submitter. Criteria: ACMG Guidelines, 2015. Collection method: clinical testing. Allele origin: unknown.

Literature cited by the submitters: PubMed 20083155 (cited by Labcorp Genetics (formerly Invitae), Labcorp); PubMed 25527620 (cited by Labcorp Genetics (formerly Invitae), Labcorp); PubMed 15488219 (cited by Labcorp Genetics (formerly Invitae), Labcorp).

NM_006517.5(SLC16A2):c.511C>T (p.Arg171Ter)

Gene: SLC16A2 (solute carrier family 16 member 2; plus strand). Cytogenetic location: Xq13.2.
Variant type: single nucleotide variant.
Coding change: c.511C>T on transcript NM_006517.5 (MANE Select); coding-DNA position 511, C replaced by T.
Protein change: p.Arg171Ter; replaces arginine 171 with a stop codon.
Molecular consequence: nonsense.
Genome position (GRCh38, 1-based): chrX:74,521,070, C>T. VCF-style: chrX-74521070-C-T. GRCh37 (hg19) VCF-style: chrX-73740905-C-T.
Other names: short protein forms R171*.
Identifiers: ClinVar variation 958855 (VCV000958855.12), dbSNP rs1930398120, ClinGen allele CA413656685.
Genomic context (GRCh38, chrX:74,521,070, plus strand): 5'-ATGGGTATGATCTTCTTCTGTTCTCCCATTGTGAGTATATTCACTGACCGTTTGGGCTGC[C>T]GAATCACAGCAACCGCGGGGGCTGCCGTTGCTTTCATTGGCCTCCATACCAGCTCCTTCA-3'